The following is an entry in ClinVar:

ClinVar aggregate classification (germline): Conflicting classifications of pathogenicity. Review status: criteria provided, conflicting classifications (1 of 4 stars). 6 submissions from 6 submitters: Uncertain significance (4); Likely benign (2). Last evaluated 2025-09-16.

Conditions:
Intellectual developmental disorder, autosomal dominant 1. Also called: MBD5 Haploinsufficiency; Intellectual disability, autosomal dominant 1. Identifiers: Orphanet 228402, MedGen C1969562, MONDO:0007974, OMIM 156200.

Allele frequency attached by ClinVar (database versions not stated): gnomAD 0.00003; gnomAD exomes 0.00006 and 0.00009; TOPMed 0.00007; ExAC 0.00008.
gnomAD v4.1: 87 of 1,613,770 alleles (0.0054%); highest among the groups gnomAD compares: Admixed American, 0.038%; no homozygotes.

Submissions (6):

Labcorp Genetics (formerly Invitae), Labcorp
Classification: Uncertain significance for Intellectual developmental disorder, autosomal dominant 1. Last evaluated: 2025-09-16. Review status: criteria provided, single submitter. Criteria: Invitae Variant Classification Sherloc (09022015). Collection method: clinical testing. Allele origin: germline.
Comment: This sequence change replaces serine, which is neutral and polar, with leucine, which is neutral and non-polar, at codon 968 of the MBD5 protein (p.Ser968Leu). This variant is present in population databases (rs200985982, gnomAD 0.05%), and has an allele count higher than expected for a pathogenic variant. This variant has not been reported in the literature in individuals affected with MBD5-related conditions. ClinVar contains an entry for this variant (Variation ID: 193912). Invitae Evidence Modeling of protein sequence and biophysical properties (such as structural, functional, and spatial information, amino acid conservation, physicochemical variation, residue mobility, and thermodynamic stability) indicates that this missense variant is not expected to disrupt MBD5 protein function with a negative predictive value of 80%. In summary, the available evidence is currently insufficient to determine the role of this variant in disease. Therefore, it has been classified as a Variant of Uncertain Significance.

CeGaT Center for Human Genetics Tuebingen
Classification: Uncertain significance. Last evaluated: 2023-05-01. Review status: criteria provided, single submitter. Criteria: CeGaT Center For Human Genetics Tuebingen Variant Classification Criteria Version 2. Collection method: clinical testing. Allele origin: germline. Affected: yes. Observed: 1 variant allele.

GeneDx
Classification: Likely benign. Last evaluated: 2021-06-12. Review status: criteria provided, single submitter. Criteria: GeneDx Variant Classification Process June 2021. Collection method: clinical testing. Allele origin: germline. Affected: yes.

Blueprint Genetics
Classification: Likely benign. Last evaluated: 2019-10-25. Review status: criteria provided, single submitter. Criteria: ACMG Guidelines, 2015. Collection method: clinical testing. Allele origin: germline.

Mayo Clinic Laboratories, Mayo Clinic
Classification: Uncertain significance. Last evaluated: 2019-06-24. Review status: criteria provided, single submitter. Criteria: ACMG Guidelines, 2015. Collection method: clinical testing. Allele origin: germline. Observed: 1 variant allele.

Eurofins Ntd Llc (ga)
Classification: Uncertain significance. Last evaluated: 2015-03-31. Review status: criteria provided, single submitter. Criteria: EGL Classification Definitions 2015. Collection method: clinical testing. Allele origin: germline. Observed: 3 variant alleles, 3 heterozygotes.

NM_001378120.1(MBD5):c.3602C>T (p.Ser1201Leu)

Gene: MBD5 (methyl-CpG binding domain protein 5; plus strand). Cytogenetic location: 2q23.1.
Variant type: single nucleotide variant.
Coding change: c.3602C>T on transcript NM_001378120.1 (MANE Select); coding-DNA position 3602, C replaced by T.
Protein change: p.Ser1201Leu; replaces serine 1201 with leucine.
Molecular consequence: missense variant.
Genome position (GRCh38, 1-based): chr2:148,485,799, C>T. VCF-style: chr2-148485799-C-T. GRCh37 (hg19) VCF-style: chr2-149243368-C-T.
Other names: p.S968L:TCG>TTG; c.2903C>T, p.Ser968Leu (NM_018328.5); short protein forms S968L, S1201L.
Identifiers: ClinVar variation 193912 (VCV000193912.45), dbSNP rs200985982, ClinGen allele CA239644.